The following is an entry in ClinVar:

NM_001378615.1(CC2D2A):c.123+459del

Genes: CC2D2A (coiled-coil and C2 domain containing 2A; plus strand), FBXL5 (F-box and leucine rich repeat protein 5; minus strand). Cytogenetic location: 4p15.32.
Variant type: Deletion.
Coding change: c.123+459del on transcript NM_001378615.1 (MANE Select); 459 bases into the intron after coding-DNA position 123, one base deleted (C; older notation c.123+459delC).
Molecular consequence: intron variant. On other transcripts: 5 prime UTR variant (1), frameshift variant (1).
Genome position (GRCh38, 1-based): chr4:15,479,265, C deleted; the last of 5 consecutive C bases (chr4:15,479,261-15,479,265); deleting any one gives the same sequence. VCF-style (leftmost placement, unchanged base first): chr4-15479260-TC-T. GRCh37 (hg19) VCF-style: chr4-15480884-TC-T.
Other names: c.-88del (NM_001378617.1); c.166del, p.His56fs (NM_020785.2); c.123+459del (NM_001080522.2, NM_001164720.3); short protein forms H56fs.
Identifiers: ClinVar variation 4975094 (VCV004975094.1).

ClinVar aggregate classification (germline): Uncertain significance (1 of 4 stars; one submission).

Submission:

GeneDx
Classification: Uncertain significance. Last evaluated: 2026-02-07. Review status: criteria provided, single submitter. Criteria: GeneDx Variant Classification Process June 2021. Collection method: clinical testing. Allele origin: germline.
Comment: Reported using an alternate transcript of the gene; Not observed at significant frequency in large population cohorts (gnomAD); Has not been previously published as pathogenic or benign to our knowledge; Frameshift variant predicted to result in protein truncation or nonsense mediated decay in a gene transcript for which loss of function is not a well-established mechanism of disease